The following is an entry in ClinVar:

ClinVar aggregate classification (germline): Conflicting classifications of pathogenicity. Review status: criteria provided, conflicting classifications (1 of 4 stars). 3 submissions from 3 submitters: Uncertain significance (2); Likely benign (1). Last evaluated 2025-12-22.

Conditions:
Colorectal cancer, susceptibility to, 12 (CRCS12). Also called: COLORECTAL CANCER, SUSCEPTIBILITY TO, ON CHROMOSOME 12q24. Identifiers: Orphanet 220460, MedGen C3554460, MONDO:0014038, OMIM 615083.
Hereditary cancer-predisposing syndrome. Also called: Tumor predisposition; Hereditary neoplastic syndrome; Hereditary Cancer Syndrome; Neoplastic Syndromes, Hereditary. Identifiers: Orphanet 140162, MedGen C0027672, MeSH D009386, MONDO:0015356.

Allele frequency attached by ClinVar (database versions not stated): gnomAD 0.00001.
gnomAD v4.1: 1 of 1,614,028 alleles (0.000062%); highest among the groups gnomAD compares: Admixed American, 0.0017%; no homozygotes.

Submissions (3):

Ambry Genetics
Classification: Likely benign for Hereditary cancer-predisposing syndrome. Last evaluated: 2025-12-22. Review status: criteria provided, single submitter. Criteria: Ambry Variant Classification Scheme 2023. Collection method: clinical testing. Allele origin: germline.

Labcorp Genetics (formerly Invitae), Labcorp
Classification: Uncertain significance. Last evaluated: 2025-05-12. Review status: criteria provided, single submitter. Criteria: Invitae Variant Classification Sherloc (09022015). Collection method: clinical testing. Allele origin: germline.
Comment: This sequence change replaces valine, which is neutral and non-polar, with leucine, which is neutral and non-polar, at codon 1446 of the POLE protein (p.Val1446Leu). This variant is not present in population databases (gnomAD no frequency). This variant has not been reported in the literature in individuals affected with POLE-related conditions. ClinVar contains an entry for this variant (Variation ID: 240510). Invitae Evidence Modeling of protein sequence and biophysical properties (such as structural, functional, and spatial information, amino acid conservation, physicochemical variation, residue mobility, and thermodynamic stability) indicates that this missense variant is not expected to disrupt POLE protein function with a negative predictive value of 80%. In summary, the available evidence is currently insufficient to determine the role of this variant in disease. Therefore, it has been classified as a Variant of Uncertain Significance.

St. Jude Molecular Pathology, St. Jude Children's Research Hospital
Classification: Uncertain significance for Colorectal cancer, susceptibility to, 12. Last evaluated: 2023-01-27. Review status: criteria provided, single submitter. Criteria: St. Jude Assertion Criteria 2020. Collection method: clinical testing. Allele origin: germline.
Comment: The POLE c.4336G>C (p.Val1446Leu) missense change has a maximum subpopulation frequency of 0.063% is absent in gnomAD v2.1.1. The in silico tool REVEL predicts a benign effect of this variant on protein function, and to our knowledge functional studies have not been performed. To our knowledge, this variant has not been reported in individuals with POLE-related disease. In summary, the evidence currently available is insufficient to determine the clinical significance of this variant. It has therefore been classified as of uncertain significance.

NM_006231.4(POLE):c.4336G>C (p.Val1446Leu)

Gene: POLE (DNA polymerase epsilon, catalytic subunit; minus strand). Cytogenetic location: 12q24.33.
Variant type: single nucleotide variant.
Coding change: c.4336G>C on transcript NM_006231.4 (MANE Select); coding-DNA position 4336, G replaced by C.
Protein change: p.Val1446Leu; replaces valine 1446 with leucine.
Molecular consequence: missense variant.
Genome position (GRCh38, 1-based): chr12:132,643,515, C>G on the plus strand (G>C on the coding strand, the complement: POLE is on the minus strand). VCF-style: chr12-132643515-C-G. GRCh37 (hg19) VCF-style: chr12-133220101-C-G.
Other names: short protein forms V1446L.
Identifiers: ClinVar variation 240510 (VCV000240510.13), dbSNP rs878854869, ClinGen allele CA10582993.
Genomic context (GRCh38, chr12:132,643,515, plus strand): 5'-CAAGAGCAAAGGTCTCTGCTTCCCAGCCTGAAAGGTGCCTCACCAGCTGTTTATTGACCA[C>G]ACACACACAGCCCAGGTGCACCAGGGCCCGGAACAGTAACGGAACCTGGAAGAATCGGGC-3'
Protein context (NP_006222.2, residues 1436-1456): RALVHLGCVC[Val1446Leu]VNKQLVRHLS